The following is an entry in ClinVar:

ClinVar aggregate classification (germline): Pathogenic (1 of 4 stars; one submission).

Conditions:
Inborn genetic diseases. Identifiers: MedGen C0950123, MeSH D030342.

Submission:

Ambry Genetics
Classification: Pathogenic for Inborn genetic diseases. Last evaluated: 2024-06-04. Review status: criteria provided, single submitter. Criteria: Ambry Variant Classification Scheme 2023. Collection method: clinical testing. Allele origin: germline.
Comment: The c.585delT (p.G196Afs*28) alteration, located in exon 7 (coding exon 6) of the WBP11 gene, consists of a deletion of one nucleotide at position 585, causing a translational frameshift with a predicted alternate stop codon after 28 amino acids. This alteration is expected to result in loss of function by premature protein truncation or nonsense-mediated mRNA decay. This variant was not reported in population-based cohorts in the Genome Aggregation Database (gnomAD). Based on the available evidence, this alteration is classified as pathogenic.

NM_016312.3(WBP11):c.585del (p.Gly196fs)

Gene: WBP11 (WW domain binding protein 11; minus strand). Cytogenetic location: 12p12.3.
Variant type: Deletion.
Coding change: c.585del on transcript NM_016312.3 (MANE Select); coding-DNA position 585, one base deleted (T; older notation c.585delT).
Protein change: p.Gly196fs; shifts the reading frame from glycine 196.
Molecular consequence: frameshift variant.
Genome position (GRCh38, 1-based): chr12:14,794,673, A deleted on the plus strand (T on the coding strand, the reverse complement: WBP11 is on the minus strand). VCF-style (leftmost placement, unchanged base first): chr12-14794672-CA-C. GRCh37 (hg19) VCF-style: chr12-14947606-CA-C.
Other names: short protein forms G196fs.
Identifiers: ClinVar variation 3332602 (VCV003332602.1).